The following is an entry in ClinVar:

ClinVar aggregate classification (germline): Uncertain significance (1 of 4 stars; one submission).

Allele frequency attached by ClinVar (database versions not stated): gnomAD exomes below 0.00001; ExAC 0.00002; gnomAD 0.00004; TOPMed 0.00005.
gnomAD v4.1: 8 of 1,578,390 alleles (0.00051%); highest among the groups gnomAD compares: African/African-American, 0.011%; no homozygotes.

Submission:

Labcorp Genetics (formerly Invitae), Labcorp
Classification: Uncertain significance. Last evaluated: 2024-04-29. Review status: criteria provided, single submitter. Criteria: Invitae Variant Classification Sherloc (09022015). Collection method: clinical testing. Allele origin: germline.
Comment: This sequence change affects an acceptor splice site in intron 4 of the PSMG2 gene. It is expected to disrupt RNA splicing. Variants that disrupt the donor or acceptor splice site typically lead to a loss of protein function (PMID: 16199547), however the current clinical and genetic evidence is not sufficient to establish whether loss-of-function variants in PSMG2 cause disease. This variant is present in population databases (rs753475509, gnomAD 0.01%). This variant has not been reported in the literature in individuals affected with PSMG2-related conditions. Algorithms developed to predict the effect of sequence changes on RNA splicing suggest that this variant may disrupt the consensus splice site. In summary, the available evidence is currently insufficient to determine the role of this variant in disease. Therefore, it has been classified as a Variant of Uncertain Significance.

Literature cited by the submitters: PubMed 16199547.

NM_020232.5(PSMG2):c.408-2A>G

Gene: PSMG2 (proteasome assembly chaperone 2; plus strand). Cytogenetic location: 18p11.21.
Variant type: single nucleotide variant.
Coding change: c.408-2A>G on transcript NM_020232.5 (MANE Select); the canonical splice acceptor site of the intron before coding-DNA position 408, A replaced by G.
Molecular consequence: splice acceptor variant.
Genome position (GRCh38, 1-based): chr18:12,720,508, A>G. VCF-style: chr18-12720508-A-G. GRCh37 (hg19) VCF-style: chr18-12720507-A-G.
Other names: c.315-2A>G (NM_147163.2).
Identifiers: ClinVar variation 2907079 (VCV002907079.3), dbSNP rs753475509, ClinGen allele CA8898403.